The following is an entry in ClinVar:

NM_003737.4(DCHS1):c.2075C>T (p.Ala692Val)

Gene: DCHS1 (dachsous cadherin-related 1; minus strand). Cytogenetic location: 11p15.4.
Variant type: single nucleotide variant.
Coding change: c.2075C>T on transcript NM_003737.4 (MANE Select); coding-DNA position 2075, C replaced by T.
Protein change: p.Ala692Val; replaces alanine 692 with valine.
Molecular consequence: missense variant.
Genome position (GRCh38, 1-based): chr11:6,633,932, G>A on the plus strand (C>T on the coding strand, the complement: DCHS1 is on the minus strand). VCF-style: chr11-6633932-G-A. GRCh37 (hg19) VCF-style: chr11-6655163-G-A.
Other names: short protein forms A692V.
Identifiers: ClinVar variation 4700612 (VCV004700612.1).

ClinVar aggregate classification (germline): Uncertain significance (1 of 4 stars; one submission).

Submission:

Labcorp Genetics (formerly Invitae), Labcorp
Classification: Uncertain significance. Last evaluated: 2025-12-31. Review status: criteria provided, single submitter. Criteria: Invitae Variant Classification Sherloc (09022015). Collection method: clinical testing. Allele origin: germline.
Comment: This sequence change replaces alanine, which is neutral and non-polar, with valine, which is neutral and non-polar, at codon 692 of the DCHS1 protein (p.Ala692Val). This variant is present in population databases (rs757968392, gnomAD 0.03%). This variant has not been reported in the literature in individuals affected with DCHS1-related conditions. Invitae Evidence Modeling of protein sequence and biophysical properties (such as structural, functional, and spatial information, amino acid conservation, physicochemical variation, residue mobility, and thermodynamic stability) indicates that this missense variant is not expected to disrupt DCHS1 protein function with a negative predictive value of 80%. In summary, the available evidence is currently insufficient to determine the role of this variant in disease. Therefore, it has been classified as a Variant of Uncertain Significance.